The following is an entry in ClinVar:

ClinVar aggregate classification (germline): Pathogenic. Review status: criteria provided, multiple submitters, no conflicts (2 of 4 stars). 6 submissions from 6 submitters: Pathogenic (5). 1 of the submissions does not count toward it. Last evaluated 2023-03-08.

Conditions:
CHAMP1-related disorder. Also called: CHAMP1-related condition.
CHAMP1-related syndrome.
Inborn genetic diseases. Identifiers: MedGen C0950123, MeSH D030342.
Neurodevelopmental disorder with hypotonia, impaired language, and dysmorphic features. Also called: Intellectual disability, autosomal dominant 40. Identifiers: Orphanet 692193, MedGen C5676894, MONDO:0014699, OMIM 616579.

Submissions (6):

Institute of Medical Genetics and Applied Genomics, University Hospital Tübingen
Classification: Pathogenic for Neurodevelopmental disorder with hypotonia, impaired language, and dysmorphic features. Last evaluated: 2023-03-08. Review status: criteria provided, single submitter. Criteria: ACMG Guidelines, 2015. Collection method: clinical testing. Allele origin: germline. Affected: yes.

GeneDx
Classification: Pathogenic. Last evaluated: 2022-12-07. Review status: criteria provided, single submitter. Criteria: GeneDx Variant Classification Process June 2021. Collection method: clinical testing. Allele origin: germline. Affected: yes.
Comment: Nonsense variant in the C-terminus predicted to result in protein truncation, as the last 316 amino acids are lost, and other loss-of-function variants have been reported downstream in the Human Gene Mutation Database (HGMD); Not observed at significant frequency in large population cohorts (gnomAD); This variant is associated with the following publications: (PMID: 28135719, 26751395, 25533962, 28191890, 34021018, 27535533, 24077912, 31785789, 33176815, 31278258)

Blueprint Genetics
Classification: Pathogenic for CHAMP1-related disorders. Last evaluated: 2020-11-10. Review status: criteria provided, single submitter. Criteria: ACMG Guidelines, 2015. Collection method: clinical testing. Allele origin: de novo. Affected: yes. Observed: 1 variant allele.

Institute of Human Genetics Munich, TUM University Hospital
Classification: Pathogenic for Neurodevelopmental disorder with hypotonia, impaired language, and dysmorphic features. Last evaluated: 2019-10-04. Review status: criteria provided, single submitter. Criteria: Classification criteria August 2017. Collection method: clinical testing. Allele origin: de novo. Inheritance: Autosomal dominant inheritance. Affected: yes. Observed: 1 heterozygote.

Ambry Genetics
Classification: Pathogenic for Inborn genetic diseases. Last evaluated: 2017-04-26. Review status: criteria provided, single submitter. Criteria: Ambry exome assertion method (8-5-2015). Collection method: clinical testing. Allele origin: germline. Affected: yes. Observed: 1 variant allele.

OMIM
Classification: Pathogenic for NEURODEVELOPMENTAL DISORDER WITH HYPOTONIA, IMPAIRED LANGUAGE, AND DYSMORPHIC FEATURES. Last evaluated: 2015-03-12. Review status: no assertion criteria provided. Collection method: literature only. Allele origin: germline. Not counted in ClinVar's aggregate classification.

Literature cited by the submitters: PubMed 26751395 (cited by Ambry Genetics); PubMed 21063390 (cited by Ambry Genetics); PubMed 27148580 (cited by Ambry Genetics); PubMed 25533962 (cited by OMIM); PubMed 34021018 (cited by OMIM).

NM_032436.4(CHAMP1):c.1489C>T (p.Arg497Ter)

Genes: CHAMP1 (chromosome alignment maintaining phosphoprotein 1; plus strand), LINC01054 (long independently transcribed non-coding RNA 1054; minus strand). Cytogenetic location: 13q34.
Variant type: single nucleotide variant.
Coding change: c.1489C>T on transcript NM_032436.4 (MANE Select); coding-DNA position 1489, C replaced by T.
Protein change: p.Arg497Ter; replaces arginine 497 with a stop codon.
Molecular consequence: nonsense.
Genome position (GRCh38, 1-based): chr13:114,325,331, C>T. VCF-style: chr13-114325331-C-T. GRCh37 (hg19) VCF-style: chr13-115090806-C-T.
Other names: c.1489C>T, p.Arg497Ter (NM_001164144.3, NM_001164145.3); short protein forms R497*.
Identifiers: ClinVar variation 210050 (VCV000210050.11), dbSNP rs782397980, ClinGen allele CA205031.